The following is an entry in ClinVar:

NM_000218.3(KCNQ1):c.1128+2T>A

Gene: KCNQ1 (potassium voltage-gated channel subfamily Q member 1; plus strand). Cytogenetic location: 11p15.5.
Variant type: single nucleotide variant.
Coding change: c.1128+2T>A on transcript NM_000218.3 (MANE Select); the canonical splice donor site of the intron after coding-DNA position 1128, T replaced by A.
Molecular consequence: splice donor variant. On other transcripts: intron variant (2).
Genome position (GRCh38, 1-based): chr11:2,585,309, T>A. VCF-style: chr11-2585309-T-A. GRCh37 (hg19) VCF-style: chr11-2606539-T-A.
Other names: c.858+2T>A (NM_001406837.1); c.1032+1764T>A (NM_001406836.1); c.588+1764T>A (NM_001406838.1); c.747+2T>A (NM_181798.2).
Identifiers: ClinVar variation 1500707 (VCV001500707.11), dbSNP rs2133754863, ClinGen allele CA379133998.
Genomic context (GRCh38, chr11:2,585,309, plus strand): 5'-AGAAGCAGAGGCAGAAGCACTTCAACCGGCAGATCCCGGCGGCAGCCTCACTCATTCAGG[T>A]GCGGTGCCTGCAAGGCCCTGGTCACTGTCATTTTGGTCACTGTTATTGTTGCATCCAGCC-3'

ClinVar aggregate classification (germline): Pathogenic/Likely pathogenic. Review status: criteria provided, multiple submitters, no conflicts (2 of 4 stars). 3 submissions from 3 submitters: Pathogenic (1); Likely pathogenic (2). Last evaluated 2026-03-19.

Conditions:
Cardiovascular phenotype. Identifiers: MedGen CN230736.
Long QT syndrome (LQTS). Identifiers: MedGen C0023976, MeSH D008133, MONDO:0002442. Disease mechanism: loss of function. Inheritance: Various modes of inheritance.

Submissions (3):

GeneDx
Classification: Likely pathogenic. Last evaluated: 2026-03-19. Review status: criteria provided, single submitter. Criteria: GeneDx Variant Classification Process June 2021. Collection method: clinical testing. Allele origin: germline.
Comment: Reported in an individual with LQTS previously referred for genetic testing at GeneDx (PMID: 23631430); Not observed at significant frequency in large population cohorts (gnomAD); Canonical splice site variant predicted to result in an in-frame loss of the adjacent exon in a gene for which loss of function is a known mechanism of disease; This variant is associated with the following publications: (PMID: 23631430)

Labcorp Genetics (formerly Invitae), Labcorp
Classification: Likely pathogenic for Long QT syndrome. Last evaluated: 2025-12-21. Review status: criteria provided, single submitter. Criteria: Invitae Variant Classification Sherloc (09022015). Collection method: clinical testing. Allele origin: germline.
Comment: This sequence change affects a donor splice site in intron 8 of the KCNQ1 gene. It is expected to disrupt RNA splicing. Variants that disrupt the donor or acceptor splice site typically lead to a loss of protein function (PMID: 16199547), and loss-of-function variants in KCNQ1 are known to be pathogenic (PMID: 9323054, 19862833). This variant is not present in population databases (gnomAD no frequency). Disruption of this splice site has been observed in individual(s) with long QT syndrome (PMID: 23631430; internal data). ClinVar contains an entry for this variant (Variation ID: 1500707). Algorithms developed to predict the effect of sequence changes on RNA splicing suggest that this variant may disrupt the consensus splice site. In summary, the currently available evidence indicates that the variant is pathogenic, but additional data are needed to prove that conclusively. Therefore, this variant has been classified as Likely Pathogenic.

Ambry Genetics
Classification: Pathogenic for Cardiovascular phenotype. Last evaluated: 2025-08-19. Review status: criteria provided, single submitter. Criteria: Ambry Variant Classification Scheme 2023. Collection method: clinical testing. Allele origin: germline.
Comment: The c.1128+2T>A intronic pathogenic mutation results from a T to A substitution two nucleotides after coding exon 8 in the KCNQ1 gene. Alterations that disrupt the canonical splice site are expected to result in aberrant splicing. In silico splice site analysis predicts that this alteration will weaken the native splice donor site. A resulting transcript is predicted to be in-frame and is not expected to trigger nonsense-mediated mRNAdecay; although, direct evidence is unavailable. However, the region predicted to be impacted is critical for protein function (Ambry internal data). This alteration has been reported in association with long QT syndrome (LQTS) (Lieve KV et al. Genet Test Mol Biomarkers, 2013 Jul;17:553-61). This variant is considered to be rare based on population cohorts in the Genome Aggregation Database (gnomAD). This nucleotide position is highly conserved in available vertebrate species. Based on the supporting evidence, this variant is interpreted as a disease-causing mutation.

Literature cited by the submitters: PubMed 16199547 (cited by Labcorp Genetics (formerly Invitae), Labcorp); PubMed 9323054 (cited by Labcorp Genetics (formerly Invitae), Labcorp); PubMed 19862833 (cited by Labcorp Genetics (formerly Invitae), Labcorp); PubMed 23631430 (cited by Labcorp Genetics (formerly Invitae), Labcorp and Ambry Genetics).